The following is an entry in ClinVar:

NM_152419.3(HGSNAT):c.1786C>T (p.Gln596Ter)

Gene: HGSNAT (heparan-alpha-glucosaminide N-acetyltransferase; plus strand). Cytogenetic location: 8p11.21.
Variant type: single nucleotide variant.
Coding change: c.1786C>T on transcript NM_152419.3 (MANE Select); coding-DNA position 1786, C replaced by T.
Protein change: p.Gln596Ter; replaces glutamine 596 with a stop codon.
Molecular consequence: nonsense.
Genome position (GRCh38, 1-based): chr8:43,199,447, C>T. VCF-style: chr8-43199447-C-T. GRCh37 (hg19) VCF-style: chr8-43054590-C-T.
Other names: c.1873C>T, p.Gln625Ter (NM_001363227.2); c.1594C>T, p.Gln532Ter (NM_001363228.2); c.922C>T, p.Gln308Ter (NM_001363229.2); short protein forms Q308*, Q625*, Q532*, Q596*.
Identifiers: ClinVar variation 953520 (VCV000953520.5), dbSNP rs750824770, ClinGen allele CA4737025.

ClinVar aggregate classification (germline): Uncertain significance (1 of 4 stars; one submission).

Conditions:
Mucopolysaccharidosis, MPS-III-C (MPS3C). Also called: MPS IIIC (Sanfilippo Syndrome Type C); MUCOPOLYSACCHARIDOSIS, TYPE IIIC; Mucopolysaccharidosis type IIIC (Sanfilippo C); mucopolysaccharidosis type 3C; SANFILIPPO SYNDROME C; MPS III C. Identifiers: Orphanet 581, Orphanet 79271, MedGen C0086649, MONDO:0009657, OMIM 252930.
Retinitis pigmentosa 73 (RP73). Identifiers: Orphanet 791, MedGen C4225287, MONDO:0014687, OMIM 616544.

Allele frequency attached by ClinVar (database versions not stated): gnomAD exomes below 0.00001; ExAC 0.00001.
gnomAD v4.1: 1 of 1,610,808 alleles (0.000062%); highest among the groups gnomAD compares: Non-Finnish European, 0.000085%; no homozygotes.

Submission:

Labcorp Genetics (formerly Invitae), Labcorp
Classification: Uncertain significance for Retinitis pigmentosa 73; Mucopolysaccharidosis, MPS-III-C. Last evaluated: 2019-08-24. Review status: criteria provided, single submitter. Criteria: Invitae Variant Classification Sherloc (09022015). Collection method: clinical testing. Allele origin: germline.
Comment: In summary, the available evidence is currently insufficient to determine the role of this variant in disease. Therefore, it has been classified as a Variant of Uncertain Significance. This variant has not been reported in the literature in individuals with HGSNAT-related conditions. This variant is present in population databases (rs750824770, ExAC 0.002%). This sequence change results in a premature translational stop signal in the HGSNAT gene (p.Gln596*). While this is not anticipated to result in nonsense mediated decay, it is expected to disrupt the last 40 amino acids of the HGSNAT protein.